The following is an entry in ClinVar:

NC_000003.12:g.(?_33096991)_(33124599_?)del

Genes: TMPPE (transmembrane protein with metallophosphoesterase domain; minus strand), GLB1 (galactosidase beta 1; minus strand), CRTAP (cartilage associated protein; plus strand), LOC129936435 (ATAC-STARR-seq lymphoblastoid active region 19645; plus strand), LOC129936437 (ATAC-STARR-seq lymphoblastoid silent region 14184; plus strand) and 2 more. Cytogenetic location: 3p22.3.
Variant type: Deletion.
Identifiers: ClinVar variation 639876 (VCV000639876.1).

ClinVar aggregate classification (germline): Pathogenic (1 of 4 stars; one submission).

Conditions:
Osteogenesis imperfecta type 7 (OI7). Also called: OSTEOGENESIS IMPERFECTA, TYPE IIB; Osteogenesis imperfecta type 2B; OI type 2B; Osteogenesis imperfecta, perinatal lethal autosomal recessive; OI type IIB; OI type 7. Identifiers: MedGen C1853162, MONDO:0012536, OMIM 610682.

Submission:

Labcorp Genetics (formerly Invitae), Labcorp
Classification: Pathogenic for Osteogenesis imperfecta type 7. Last evaluated: 2018-08-12. Review status: criteria provided, single submitter. Criteria: Invitae Variant Classification Sherloc (09022015). Collection method: clinical testing. Allele origin: germline.
Comment: This variant is a gross deletion of the genomic region encompassing exons 1-3 of the CRTAP gene, which includes the initiator codon. The 5' end of this event is unknown as it extends beyond the assayed region for this gene and therefore may encompass additional genes. The 3' boundary is likely confined to intron 3 of the CRTAP gene. This is expected to result in an absent or disrupted protein product. This variant has not been reported in the literature in individuals with CRTAP-related disease. Loss-of-function variants in CRTAP are known to be pathogenic (PMID: 17055431, 19862557, 24715559). For these reasons, this variant has been classified as Pathogenic.